The following is an entry in ClinVar:

NM_001077653.2(TBX20):c.470A>G (p.Asn157Ser)

Gene: TBX20 (T-box transcription factor 20; minus strand). Cytogenetic location: 7p14.2.
Variant type: single nucleotide variant.
Coding change: c.470A>G on transcript NM_001077653.2 (MANE Select); coding-DNA position 470, A replaced by G.
Protein change: p.Asn157Ser; replaces asparagine 157 with serine.
Molecular consequence: missense variant.
Genome position (GRCh38, 1-based): chr7:35,248,752, T>C on the plus strand (A>G on the coding strand, the complement: TBX20 is on the minus strand). VCF-style: chr7-35248752-T-C. GRCh37 (hg19) VCF-style: chr7-35288364-T-C.
Other names: c.470A>G, p.Asn157Ser (NM_001166220.1); short protein forms N157S.
Identifiers: ClinVar variation 2041160 (VCV002041160.6), dbSNP rs142399794, ClinGen allele CA4217499.

ClinVar aggregate classification (germline): Uncertain significance. Review status: criteria provided, multiple submitters, no conflicts (2 of 4 stars). 3 submissions from 3 submitters: Uncertain significance (3). Last evaluated 2025-09-17.

Conditions:
Cardiovascular phenotype. Identifiers: MedGen CN230736.

Allele frequency attached by ClinVar (database versions not stated): gnomAD exomes 0.00001; ExAC 0.00002; gnomAD 0.00003; TOPMed 0.00003; ESP Exome Variant Server 0.00008.
gnomAD v4.1: 24 of 1,614,072 alleles (0.0015%); highest among the groups gnomAD compares: Non-Finnish European, 0.0019%; no homozygotes.

Submissions (3):

Labcorp Genetics (formerly Invitae), Labcorp
Classification: Uncertain significance. Last evaluated: 2025-09-17. Review status: criteria provided, single submitter. Criteria: Invitae Variant Classification Sherloc (09022015). Collection method: clinical testing. Allele origin: germline.
Comment: This sequence change replaces asparagine, which is neutral and polar, with serine, which is neutral and polar, at codon 157 of the TBX20 protein (p.Asn157Ser). This variant is present in population databases (rs142399794, gnomAD 0.002%). This variant has not been reported in the literature in individuals affected with TBX20-related conditions. ClinVar contains an entry for this variant (Variation ID: 2041160). Invitae Evidence Modeling of protein sequence and biophysical properties (such as structural, functional, and spatial information, amino acid conservation, physicochemical variation, residue mobility, and thermodynamic stability) indicates that this missense variant is not expected to disrupt TBX20 protein function with a negative predictive value of 80%. In summary, the available evidence is currently insufficient to determine the role of this variant in disease. Therefore, it has been classified as a Variant of Uncertain Significance.

Ambry Genetics
Classification: Uncertain significance for Cardiovascular phenotype. Last evaluated: 2024-09-20. Review status: criteria provided, single submitter. Criteria: Ambry Variant Classification Scheme 2023. Collection method: clinical testing. Allele origin: germline.
Comment: The p.N157S variant (also known as c.470A>G), located in coding exon 3 of the TBX20 gene, results from an A to G substitution at nucleotide position 470. The asparagine at codon 157 is replaced by serine, an amino acid with highly similar properties. This amino acid position is highly conserved in available vertebrate species. In addition, this alteration is predicted to be tolerated by in silico analysis. Based on the available evidence, the clinical significance of this variant remains unclear.

Blueprint Genetics
Classification: Uncertain significance. Last evaluated: 2024-08-05. Review status: criteria provided, single submitter. Criteria: ACMG Guidelines, 2015. Collection method: clinical testing. Allele origin: germline.